The following is an entry in ClinVar:

ClinVar aggregate classification (germline): Likely pathogenic (1 of 4 stars; one submission).

Conditions:
Duchenne muscular dystrophy (DMD). Also called: MUSCULAR DYSTROPHY, PSEUDOHYPERTROPHIC PROGRESSIVE, DUCHENNE TYPE; Duchenne Muscular Dystrophy (DMD). Identifiers: Orphanet 98896, MedGen C0013264, MONDO:0010679, OMIM 310200.

Submission:

Labcorp Genetics (formerly Invitae), Labcorp
Classification: Likely pathogenic for Duchenne muscular dystrophy. Last evaluated: 2018-12-25. Review status: criteria provided, single submitter. Criteria: Invitae Variant Classification Sherloc (09022015). Collection method: clinical testing. Allele origin: germline.
Comment: In summary, the currently available evidence indicates that the variant is pathogenic, but additional data are needed to prove that conclusively. Therefore, this variant has been classified as Likely Pathogenic. Loss-of-function variants in DMD are known to be pathogenic (PMID: 16770791, 25007885). This variant has not been reported in the literature in individuals with DMD-related conditions. This variant results in a copy number gain of the genomic region encompassing exons 18-26 of the DMD gene. While the exact position of this variant cannot be determined from this data, sub-genic copy number gains are generally in tandem (PMID: 25640679) and may result in an absent or disrupted protein product.

Literature cited by the submitters: PubMed 16770791; PubMed 25007885; PubMed 25640679.

NC_000023.10:g.(?_32472769)_(32536267_?)dup

Gene: DMD (dystrophin; minus strand). Cytogenetic location: Xp21.1.
Variant type: Duplication.
Identifiers: ClinVar variation 647941 (VCV000647941.6).